The following is an entry in ClinVar:

ClinVar aggregate classification (germline): Uncertain significance. Review status: criteria provided, multiple submitters, no conflicts (2 of 4 stars). 2 submissions from 2 submitters: Uncertain significance (2). Last evaluated 2023-05-05.

Conditions:
Inborn genetic diseases. Identifiers: MedGen C0950123, MeSH D030342.
Developmental and epileptic encephalopathy, 12 (DEE12). Identifiers: MedGen C3150988, MONDO:0013389, OMIM 613722.

Allele frequency attached by ClinVar (database versions not stated): TOPMed 0.00002; gnomAD 0.00003 and 0.00004.
gnomAD v4.1: 46 of 1,588,592 alleles (0.0029%); highest among the groups gnomAD compares: Non-Finnish European, 0.0035%; no homozygotes.

Submissions (2):

Ambry Genetics
Classification: Uncertain significance for Inborn genetic diseases. Last evaluated: 2023-05-05. Review status: criteria provided, single submitter. Criteria: Ambry Variant Classification Scheme 2023. Collection method: clinical testing. Allele origin: germline.

Labcorp Genetics (formerly Invitae), Labcorp
Classification: Uncertain significance for Developmental and epileptic encephalopathy, 12. Last evaluated: 2022-07-08. Review status: criteria provided, single submitter. Criteria: Invitae Variant Classification Sherloc (09022015). Collection method: clinical testing. Allele origin: germline.
Comment: This sequence change replaces tyrosine, which is neutral and polar, with cysteine, which is neutral and slightly polar, at codon 773 of the PLCB1 protein (p.Tyr773Cys). This variant is present in population databases (no rsID available, gnomAD 0.0008%). This variant has not been reported in the literature in individuals affected with PLCB1-related conditions. ClinVar contains an entry for this variant (Variation ID: 957832). Algorithms developed to predict the effect of missense changes on protein structure and function are either unavailable or do not agree on the potential impact of this missense change (SIFT: "Deleterious"; PolyPhen-2: "Probably Damaging"; Align-GVGD: "Class C0"). In summary, the available evidence is currently insufficient to determine the role of this variant in disease. Therefore, it has been classified as a Variant of Uncertain Significance.

NM_015192.4(PLCB1):c.2318A>G (p.Tyr773Cys)

Gene: PLCB1 (phospholipase C beta 1; plus strand). Cytogenetic location: 20p12.3.
Variant type: single nucleotide variant.
Coding change: c.2318A>G on transcript NM_015192.4 (MANE Select); coding-DNA position 2318, A replaced by G.
Protein change: p.Tyr773Cys; replaces tyrosine 773 with cysteine.
Molecular consequence: missense variant.
Genome position (GRCh38, 1-based): chr20:8,740,353, A>G. VCF-style: chr20-8740353-A-G. GRCh37 (hg19) VCF-style: chr20-8721000-A-G.
Other names: c.2318A>G, p.Tyr773Cys (NM_182734.3); c.2318A>G (NM_015192.2); short protein forms Y773C.
Identifiers: ClinVar variation 957832 (VCV000957832.8), dbSNP rs948237591, ClinGen allele CA311264240.